The following is an entry in ClinVar:

ClinVar aggregate classification (germline): Uncertain significance (1 of 4 stars; one submission).

Conditions:
Hereditary spastic paraplegia 30. Identifiers: Orphanet 101010, MedGen C5235139, MONDO:0012476.
Neuropathy, hereditary sensory, type 2C. Also called: Hereditary sensory and autonomic neuropathy type IIC; KIF1A-Related HSAN2 (HSAN2C). Identifiers: Orphanet 970, MedGen C3280168, MONDO:0013634, OMIM 614213.
Intellectual disability, autosomal dominant 9 (NESCAVS). Also called: NESCAV SYNDROME; KIF1A-Related Neurodevelopmental Disorder. Identifiers: Orphanet 662367, MedGen C5393830, MONDO:0013656, OMIM 614255.

gnomAD v4.1: 2 of 1,607,090 alleles (0.00012%); highest among the groups gnomAD compares: Non-Finnish European, 0.00017%; no homozygotes.

Submission:

Labcorp Genetics (formerly Invitae), Labcorp
Classification: Uncertain significance for Hereditary spastic paraplegia 30; Neuropathy, hereditary sensory, type 2C; Intellectual disability, autosomal dominant 9. Last evaluated: 2023-06-17. Review status: criteria provided, single submitter. Criteria: Invitae Variant Classification Sherloc (09022015). Collection method: clinical testing. Allele origin: germline.
Comment: Advanced modeling of protein sequence and biophysical properties (such as structural, functional, and spatial information, amino acid conservation, physicochemical variation, residue mobility, and thermodynamic stability) performed at Invitae indicates that this missense variant is not expected to disrupt KIF1A protein function. ClinVar contains an entry for this variant (Variation ID: 1432497). This variant has not been reported in the literature in individuals affected with KIF1A-related conditions. This variant is not present in population databases (gnomAD no frequency). This sequence change replaces histidine, which is basic and polar, with glutamine, which is neutral and polar, at codon 1471 of the KIF1A protein (p.His1471Gln). In summary, the available evidence is currently insufficient to determine the role of this variant in disease. Therefore, it has been classified as a Variant of Uncertain Significance.

NM_001244008.2(KIF1A):c.4716C>G (p.His1572Gln)

Gene: KIF1A (kinesin family member 1A; minus strand). Cytogenetic location: 2q37.3.
Variant type: single nucleotide variant.
Coding change: c.4716C>G on transcript NM_001244008.2 (MANE Select); coding-DNA position 4716, C replaced by G.
Protein change: p.His1572Gln; replaces histidine 1572 with glutamine.
Molecular consequence: missense variant.
Genome position (GRCh38, 1-based): chr2:240,721,834, G>C on the plus strand (C>G on the coding strand, the complement: KIF1A is on the minus strand). VCF-style: chr2-240721834-G-C. GRCh37 (hg19) VCF-style: chr2-241661251-G-C.
Other names: c.4440C>G, p.His1480Gln (NM_001320705.2, NM_001379649.1); c.4467C>G, p.His1489Gln (NM_001330289.2); c.4515C>G, p.His1505Gln (NM_001330290.2, NM_001379648.1); c.4791C>G, p.His1597Gln (NM_001379631.1); c.4692C>G, p.His1564Gln (NM_001379632.1); c.4689C>G, p.His1563Gln (NM_001379633.1, NM_001379645.1); c.4542C>G, p.His1514Gln (NM_001379634.1); c.4539C>G, p.His1513Gln (NM_001379635.1, NM_001379646.1); and 7 more; short protein forms H1471Q, H1509Q, H1564Q, H1597Q, H1488Q, H1496Q, H1505Q, H1514Q.
Identifiers: ClinVar variation 1432497 (VCV001432497.6), dbSNP rs375640417, ClinGen allele CA351302962.